The following is an entry in ClinVar:

NM_001083962.2(TCF4):c.*2688A>G

Gene: TCF4 (transcription factor 4; minus strand). Cytogenetic location: 18q21.2.
Variant type: single nucleotide variant.
Coding change: c.*2688A>G on transcript NM_001083962.2 (MANE Select); 2688 bases downstream of the stop codon, A replaced by G.
Molecular consequence: 3 prime UTR variant.
Genome position (GRCh38, 1-based): chr18:55,225,347, T>C on the plus strand (A>G on the coding strand, the complement: TCF4 is on the minus strand). VCF-style: chr18-55225347-T-C. GRCh37 (hg19) VCF-style: chr18-52892578-T-C.
Other names: c.*2688A>G (NM_001243226.3, NM_001243227.2, NM_001243228.2 and 42 more transcripts).
Identifiers: ClinVar variation 327269 (VCV000327269.5), dbSNP rs188623567, ClinGen allele CA10641740.
Genomic context (GRCh38, chr18:55,225,347, plus strand): 5'-GTGAGAACAAAATATAAAGCACCAATTTAAAAAATAATCAAATGACTACAATTTACTTTT[T>C]TGCTTTGTTTACAGATTTGAAAAACTTTAATTCAGCTCTATTAAGCACCTTTATGATAAC-3'

ClinVar aggregate classification (germline): Benign (1 of 4 stars; one submission).

Conditions:
Pitt-Hopkins syndrome (PTHS). Also called: ENCEPHALOPATHY, SEVERE EPILEPTIC, WITH AUTONOMIC DYSFUNCTION; MENTAL RETARDATION, SYNDROMAL, WITH INTERMITTENT HYPERVENTILATION. Identifiers: Orphanet 2896, MedGen C1970431, MONDO:0012589, OMIM 610954.

Allele frequency attached by ClinVar (database versions not stated): 1000 Genomes Project 30x 0.00203; 1000 Genomes Project 0.00220; gnomAD 0.00226 and 0.00250; gnomAD exomes 0.00234; TOPMed 0.00255.
gnomAD v4.1: 380 of 152,770 alleles (0.25%); highest among the groups gnomAD compares: South Asian, 0.91%; 10 homozygotes.

Submission:

Illumina Laboratory Services, Illumina
Classification: Benign for Pitt-Hopkins syndrome. Last evaluated: 2018-01-13. Review status: criteria provided, single submitter. Criteria: ICSL Variant Classification Criteria 13 December 2019. Collection method: clinical testing. Allele origin: germline.
Comment: This variant was observed in the ICSL laboratory as part of a predisposition screen in an ostensibly healthy population. It had not been previously curated by ICSL or reported in the Human Gene Mutation Database (HGMD: prior to June 1st, 2018), and was therefore a candidate for classification through an automated scoring system. Utilizing variant allele frequency, disease prevalence and penetrance estimates, and inheritance mode, an automated score was calculated to assess if this variant is too frequent to cause the disease. Based on the score and internal cut-off values, a variant classified as benign is not then subjected to further curation. The score for this variant resulted in a classification of benign for this disease.